The following is an entry in ClinVar:

ClinVar aggregate classification (germline): Uncertain significance (1 of 4 stars; one submission).

Conditions:
Intellectual developmental disorder 62. Also called: MENTAL RETARDATION, AUTOSOMAL DOMINANT 62; INTELLECTUAL DEVELOPMENTAL DISORDER, AUTOSOMAL DOMINANT 62. Identifiers: MedGen C5394083, MONDO:0032919, OMIM 618793.

Allele frequency attached by ClinVar (database versions not stated): gnomAD exomes below 0.00001.
gnomAD v4.1: 2 of 1,612,694 alleles (0.00012%); highest among the groups gnomAD compares: Non-Finnish European, 0.000085%; no homozygotes.

Submission:

Clinical Genomics Laboratory, Washington University in St. Louis
Classification: Uncertain significance for Intellectual developmental disorder 62. Last evaluated: 2023-12-15. Review status: criteria provided, single submitter. Criteria: ACMG Guidelines, 2015. Collection method: clinical testing. Allele origin: germline.
Comment: The DLG4 c.1420C>T (p.Arg474Trp) variant, to our knowledge, has not been reported in the medical literature and is absent from the general population (gnomAD v.2.1.1), indicating it is not a common variant. Computational predictors indicate that the variant is damaging, evidence that correlates with impact to DLG4 function. This variant resides within a region, amino acids 428-498, of DLG4 that is defined as a functional domain for protein-protein interactions (Kurochkina N and Guha U, PMID: 28510178); however, no variants, to date, associated with disease have been reported here (Rodriguez-Palmero A et al., PMID: 33597769). Due to limited information, and based on ACMG/AMP guidelines for variant interpretation (Richards S et al., PMID: 25741868), the clinical significance of this variant is uncertain at this time.

NM_001321075.3(DLG4):c.1420C>T (p.Arg474Trp)

Gene: DLG4 (discs large MAGUK scaffold protein 4; minus strand). Cytogenetic location: 17p13.1.
Variant type: single nucleotide variant.
Coding change: c.1420C>T on transcript NM_001321075.3 (MANE Select); coding-DNA position 1420, C replaced by T.
Protein change: p.Arg474Trp; replaces arginine 474 with tryptophan.
Molecular consequence: missense variant. On other transcripts: non-coding transcript variant (1).
Genome position (GRCh38, 1-based): chr17:7,194,377, G>A on the plus strand (C>T on the coding strand, the complement: DLG4 is on the minus strand). VCF-style: chr17-7194377-G-A. GRCh37 (hg19) VCF-style: chr17-7097696-G-A.
Other names: c.1411C>T, p.Arg471Trp (NM_001128827.4); c.1540C>T, p.Arg514Trp (NM_001321074.1); c.1240C>T, p.Arg414Trp (NM_001321076.3, NM_001321077.3); c.1549C>T, p.Arg517Trp (NM_001365.5); c.1339C>T, p.Arg447Trp (NM_001369566.3); short protein forms R414W, R447W, R471W, R474W, R514W, R517W.
Identifiers: ClinVar variation 3236621 (VCV003236621.1), dbSNP rs2507929497, ClinGen allele CA397715637.